The following is an entry in ClinVar:

NM_001042492.3(NF1):c.2999G>C (p.Arg1000Pro)

Gene: NF1 (neurofibromin 1; plus strand). Cytogenetic location: 17q11.2.
Variant type: single nucleotide variant.
Coding change: c.2999G>C on transcript NM_001042492.3 (MANE Select); coding-DNA position 2999, G replaced by C.
Protein change: p.Arg1000Pro; replaces arginine 1000 with proline.
Molecular consequence: missense variant.
Genome position (GRCh38, 1-based): chr17:31,230,268, G>C. VCF-style: chr17-31230268-G-C. GRCh37 (hg19) VCF-style: chr17-29557286-G-C.
Other names: p.Arg1000Pro; c.2999G>C, p.Arg1000Pro (NM_000267.4); short protein forms R1000P.
Identifiers: ClinVar variation 860498 (VCV000860498.12), dbSNP rs753082620, ClinGen allele CA398986531.

ClinVar aggregate classification (germline): Pathogenic/Likely pathogenic. Review status: criteria provided, multiple submitters, no conflicts (2 of 4 stars). 5 submissions from 5 submitters: Pathogenic (3); Likely pathogenic (2). Last evaluated 2026-06-30.

Conditions:
Cardiovascular phenotype. Identifiers: MedGen CN230736.
Hereditary cancer-predisposing syndrome. Also called: Tumor predisposition; Neoplastic Syndromes, Hereditary; Hereditary Cancer Syndrome; Hereditary neoplastic syndrome. Identifiers: Orphanet 140162, MedGen C0027672, MeSH D009386, MONDO:0015356.
Juvenile myelomonocytic leukemia (JMML). Also called: LEUKEMIA, JUVENILE MYELOMONOCYTIC, SOMATIC. Identifiers: Orphanet 86834, MedGen C0349639, MONDO:0011908, OMIM 607785, HP:0012209.
Neurofibromatosis-Noonan syndrome (NFNS). Also called: NEUROFIBROMATOSIS WITH NOONAN PHENOTYPE. Identifiers: Orphanet 638, MedGen C2931482, MONDO:0011035, OMIM 601321. Disease mechanism: loss of function.
Café-au-lait macules with pulmonary stenosis (WTSN). Also called: PULMONIC STENOSIS WITH CAFE-AU-LAIT SPOTS. Identifiers: MedGen C0553586, MONDO:0008672, OMIM 193520.
Neurofibromatosis, familial spinal (FSNF). Identifiers: Orphanet 636, MedGen C1834235, MONDO:0008078, OMIM 162210. Disease mechanism: loss of function.
Neurofibromatosis, type 1 (NF1). Also called: VON RECKLINGHAUSEN DISEASE; NEUROFIBROMATOSIS, TYPE I, SOMATIC; Peripheral type neurofibromatosis; Neurofibromatosis, type I. Identifiers: Orphanet 636, MedGen C0027831, MONDO:0018975, OMIM 162200. Disease mechanism: loss of function.

Submissions (5):

GeneDx
Classification: Pathogenic. Last evaluated: 2026-06-30. Review status: criteria provided, single submitter. Criteria: GeneDx Variant Classification Process June 2021. Collection method: clinical testing. Allele origin: germline.
Comment: Not observed at significant frequency in large population cohorts (gnomAD); In silico analysis supports that this missense variant has a deleterious effect on protein structure/function; This variant is associated with the following publications: (PMID: 25486365, 2121369, 39862580)

Labcorp Genetics (formerly Invitae), Labcorp
Classification: Pathogenic for Neurofibromatosis, type 1. Last evaluated: 2025-06-02. Review status: criteria provided, single submitter. Criteria: Invitae Variant Classification Sherloc (09022015). Collection method: clinical testing. Allele origin: germline.
Comment: This sequence change replaces arginine, which is basic and polar, with proline, which is neutral and non-polar, at codon 1000 of the NF1 protein (p.Arg1000Pro). This variant is not present in population databases (gnomAD no frequency). This missense change has been observed in individual(s) with clinical features of neurofibromatosis type 1 (internal data). In at least one individual the variant was observed to be de novo. Invitae Evidence Modeling of clinical and family history, age, sex, and reported ancestry of multiple individuals with this NF1 variant has been performed. This variant is expected to be pathogenic with a positive predictive value of at least 99%. This is a validated machine learning model that incorporates the clinical features of 1,785,918 individuals referred to our laboratory for NF1 testing. ClinVar contains an entry for this variant (Variation ID: 860498). Invitae Evidence Modeling of protein sequence and biophysical properties (such as structural, functional, and spatial information, amino acid conservation, physicochemical variation, residue mobility, and thermodynamic stability) indicates that this missense variant is expected to disrupt NF1 protein function with a positive predictive value of 95%. For these reasons, this variant has been classified as Pathogenic.

Mayo Clinic Laboratories, Mayo Clinic
Classification: Likely pathogenic. Last evaluated: 2024-09-12. Review status: criteria provided, single submitter. Criteria: ACMG Guidelines, 2015. Collection method: clinical testing. Allele origin: germline. Observed: 2 variant alleles.
Comment: PP2, PP4, PP5, PM2_sup, PS4_mod

Ambry Genetics
Classification: Pathogenic for Cardiovascular phenotype; Hereditary cancer-predisposing syndrome. Last evaluated: 2024-03-13. Review status: criteria provided, single submitter. Criteria: Ambry Variant Classification Scheme 2023. Collection method: clinical testing. Allele origin: germline.
Comment: The p.R1000P pathogenic mutation (also known as c.2999G>C), located in coding exon 23 of the NF1 gene, results from a G to C substitution at nucleotide position 2999. The arginine at codon 1000 is replaced by proline, an amino acid with dissimilar properties. This variant was reported in multiple individuals who met clinical criteria for Neurofibromatosis type 1 (NF1) (external communication). Based on internal structural analysis, this variant is highly destabilizing to the local structure (Ambry internal data). This amino acid position is highly conserved in available vertebrate species. In addition, the in silico prediction for this alteration is inconclusive. Based on the supporting evidence, this alteration is interpreted as a disease-causing mutation.

Juno Genomics, Hangzhou Juno Genomics, Inc
Classification: Likely pathogenic for Café-au-lait macules with pulmonary stenosis; Neurofibromatosis, type 1; Juvenile myelomonocytic leukemia; Neurofibromatosis, familial spinal; Neurofibromatosis-Noonan syndrome. Review status: criteria provided, single submitter. Criteria: ACMG Guidelines, 2015. Collection method: clinical testing. Allele origin: germline. Affected: yes.
Comment: Absent from controls (or at extremely low frequency if recessive) in Genome Aggregation Database.;Multiple lines of computational evidence support a deleterious effect on the gene or gene product.;Missense variant in a gene that has a low rate of benign missense variation.;De novo (both maternity and paternity confirmed) in a patient with the disease and no family history.;Patient's phenotype or family history is highly specific for a disease with a single genetic etiology.